The following is an entry in ClinVar:

NM_197968.4(ZMYM2):c.3569-5T>C

Gene: ZMYM2 (zinc finger MYM-type containing 2; plus strand). Cytogenetic location: 13q12.11.
Variant type: single nucleotide variant.
Coding change: c.3569-5T>C on transcript NM_197968.4 (MANE Select); 5 bases into the intron before coding-DNA position 3569, T replaced by C.
Molecular consequence: intron variant.
Genome position (GRCh38, 1-based): chr13:20,082,776, T>C. VCF-style: chr13-20082776-T-C. GRCh37 (hg19) VCF-style: chr13-20656916-T-C.
Other names: c.3308-5T>C (NM_001353163.2); c.3569-5T>C (NM_001353157.2, NM_001353164.2, NM_001353159.2 and 4 more transcripts); c.3374-5T>C (NM_001353161.3).
Identifiers: ClinVar variation 1704150 (VCV001704150.2), dbSNP rs2504624742, ClinGen allele CA2580086785.
Genomic context (GRCh38, chr13:20,082,776, plus strand): 5'-TCTAGATGGTTAAATGAAAACTTTTATTTATTATAATTCTTTTAAAATAGTTCTCTCTAT[T>C]TAAGGGTCAATATTCTCTCGAGTTGAAGAAGACTATCTCTGGAGGATAAAACAACTAGGA-3'

ClinVar aggregate classification (germline): Uncertain significance (1 of 4 stars; one submission).

Allele frequency attached by ClinVar (database versions not stated): gnomAD exomes below 0.00001.
gnomAD v4.1: 6 of 1,580,572 alleles (0.00038%); highest among the groups gnomAD compares: Non-Finnish European, 0.00052%; no homozygotes.

Submission:

GeneDx
Classification: Uncertain significance. Last evaluated: 2023-02-23. Review status: criteria provided, single submitter. Criteria: GeneDx Variant Classification Process June 2021. Collection method: clinical testing. Allele origin: germline. Affected: yes.
Comment: Not observed at significant frequency in large population cohorts (gnomAD); In silico analysis supports that this variant does not alter splicing; Has not been previously published as pathogenic or benign to our knowledge